The following is an entry in ClinVar:

ClinVar aggregate classification (germline): Uncertain significance (1 of 4 stars; one submission).

Conditions:
Primary ciliary dyskinesia. Also called: Ciliary dyskinesia. Identifiers: Orphanet 244, MedGen C0008780, MONDO:0016575, HP:0012265.

Allele frequency attached by ClinVar (database versions not stated): gnomAD exomes below 0.00001; ExAC 0.00001; TOPMed 0.00001.
gnomAD v4.1: 1 of 1,613,600 alleles (0.000062%); highest among the groups gnomAD compares: Non-Finnish European, 0.000085%; no homozygotes.

Submission:

Labcorp Genetics (formerly Invitae), Labcorp
Classification: Uncertain significance for Primary ciliary dyskinesia. Last evaluated: 2022-07-19. Review status: criteria provided, single submitter. Criteria: Invitae Variant Classification Sherloc (09022015). Collection method: clinical testing. Allele origin: germline.
Comment: This sequence change replaces isoleucine, which is neutral and non-polar, with threonine, which is neutral and polar, at codon 2029 of the DNAH11 protein (p.Ile2029Thr). This variant is not present in population databases (gnomAD no frequency). This variant has not been reported in the literature in individuals affected with DNAH11-related conditions. ClinVar contains an entry for this variant (Variation ID: 1023067). Advanced modeling of protein sequence and biophysical properties (such as structural, functional, and spatial information, amino acid conservation, physicochemical variation, residue mobility, and thermodynamic stability) performed at Invitae indicates that this missense variant is not expected to disrupt DNAH11 protein function. In summary, the available evidence is currently insufficient to determine the role of this variant in disease. Therefore, it has been classified as a Variant of Uncertain Significance.

NM_001277115.2(DNAH11):c.6086T>C (p.Ile2029Thr)

Gene: DNAH11 (dynein axonemal heavy chain 11; plus strand). Cytogenetic location: 7p15.3.
Variant type: single nucleotide variant.
Coding change: c.6086T>C on transcript NM_001277115.2 (MANE Select); coding-DNA position 6086, T replaced by C.
Protein change: p.Ile2029Thr; replaces isoleucine 2029 with threonine.
Molecular consequence: missense variant.
Genome position (GRCh38, 1-based): chr7:21,698,119, T>C. VCF-style: chr7-21698119-T-C. GRCh37 (hg19) VCF-style: chr7-21737737-T-C.
Other names: short protein forms I2029T.
Identifiers: ClinVar variation 1023067 (VCV001023067.6), dbSNP rs747820072, ClinGen allele CA4180684.